The following is an entry in ClinVar:

NC_000002.11:g.(?_166767817)_(166806254_?)dup

Gene: TTC21B (tetratricopeptide repeat domain 21B; minus strand). Cytogenetic location: 2q24.3.
Variant type: Duplication.
Identifiers: ClinVar variation 1524950 (VCV001524950.5).

ClinVar aggregate classification (germline): Likely pathogenic (1 of 4 stars; one submission).

Conditions:
Nephronophthisis. Also called: Juvenile Nephronophthisis. Identifiers: Orphanet 655, MedGen C0687120, MONDO:0019005, HP:0000090.
Jeune thoracic dystrophy. Also called: Jeune syndrome; Infantile thoracic dystrophy; Thoracic pelvic phalangeal dystrophy; Jeune's syndrome; Chondroectodermal dysplasia-like syndrome; Short-rib thoracic dysplasia. Identifiers: Orphanet 474, MedGen C0265275, MONDO:0018770.

Submission:

Labcorp Genetics (formerly Invitae), Labcorp
Classification: Likely pathogenic for Jeune thoracic dystrophy; Nephronophthisis. Last evaluated: 2022-08-05. Review status: criteria provided, single submitter. Criteria: Invitae Variant Classification Sherloc (09022015). Collection method: clinical testing. Allele origin: germline.
Comment: In summary, the currently available evidence indicates that the variant is pathogenic, but additional data are needed to prove that conclusively. Therefore, this variant has been classified as Likely Pathogenic. This variant has not been reported in the literature in individuals affected with TTC21B-related conditions. This variant results in a copy number gain of the genomic region encompassing exon(s) 2-18 of the TTC21B gene. While the exact position of this variant cannot be determined from the data, sub-genic copy number gains are generally in tandem (PMID: 25640679). This variant is predicted to be out-of-frame, and may result in an absent or disrupted protein product. Loss-of-function variants in TTC21B are known to be pathogenic (PMID: 18327258, 21068128, 21258341, 23559409, 24876116, 25492405, 27491411, 29068549).

Literature cited by the submitters: PubMed 25640679; PubMed 18327258; PubMed 21068128; PubMed 21258341; PubMed 23559409; PubMed 24876116; PubMed 25492405; PubMed 27491411; PubMed 29068549.